The following is an entry in ClinVar:

ClinVar aggregate classification (germline): Uncertain significance (1 of 4 stars; one submission).

Conditions:
Hereditary breast ovarian cancer syndrome. Also called: Hereditary breast and ovarian cancer syndrome; Hereditary breast and/or ovarian cancer syndrome; Hereditary breast and ovarian cancer syndrome (HBOC); Breast and ovarian cancer; BRCA1- and BRCA2-Associated Hereditary Breast and Ovarian Cancer; Hereditary breast and ovarian cancer. Identifiers: Orphanet 145, MedGen C0677776, MeSH D061325, MONDO:0003582. Disease mechanism: loss of function.

Submission:

Labcorp Genetics (formerly Invitae), Labcorp
Classification: Uncertain significance for Hereditary breast ovarian cancer syndrome. Last evaluated: 2018-05-16. Review status: criteria provided, single submitter. Criteria: Invitae Variant Classification Sherloc (09022015). Collection method: clinical testing. Allele origin: germline.
Comment: In summary, the available evidence is currently insufficient to determine the role of this variant in disease. Therefore, it has been classified as a Variant of Uncertain Significance. Algorithms developed to predict the effect of missense changes on protein structure and function (SIFT, PolyPhen-2, Align-GVGD) all suggest that this variant is likely to be disruptive, but these predictions have not been confirmed by published functional studies and their clinical significance is uncertain. This sequence change replaces isoleucine with threonine at codon 2989 of the BRCA2 protein (p.Ile2989Thr). The isoleucine residue is highly conserved and there is a moderate physicochemical difference between isoleucine and threonine. This variant is not present in population databases (ExAC no frequency). This variant has not been reported in the literature in individuals with BRCA2-related disease.

NM_000059.4(BRCA2):c.8966T>C (p.Ile2989Thr)

Gene: BRCA2 (BRCA2 DNA repair associated; plus strand). Cytogenetic location: 13q13.1.
Variant type: single nucleotide variant.
Coding change: c.8966T>C on transcript NM_000059.4 (MANE Select); coding-DNA position 8966, T replaced by C.
Protein change: p.Ile2989Thr; replaces isoleucine 2989 with threonine.
Molecular consequence: missense variant.
Genome position (GRCh38, 1-based): chr13:32,379,762, T>C. VCF-style: chr13-32379762-T-C. GRCh37 (hg19) VCF-style: chr13-32953899-T-C.
Other names: short protein forms I2989T.
Identifiers: ClinVar variation 582821 (VCV000582821.9), dbSNP rs1566253038, ClinGen allele CA387757378.